The following is an entry in ClinVar:

ClinVar aggregate classification (germline): Uncertain significance (1 of 4 stars; one submission).

Conditions:
Kabuki syndrome. Also called: NIIKAWA-KUROKI SYNDROME; Kabuki make-up syndrome. Identifiers: Orphanet 2322, MedGen C0796004, MONDO:0016512.

Submission:

Labcorp Genetics (formerly Invitae), Labcorp
Classification: Uncertain significance for Kabuki syndrome. Last evaluated: 2022-07-17. Review status: criteria provided, single submitter. Criteria: Invitae Variant Classification Sherloc (09022015). Collection method: clinical testing. Allele origin: germline.
Comment: This variant, c.10803_10817dup, results in the insertion of 5 amino acid(s) of the KMT2D protein (p.Gln3608_Gln3612dup), but otherwise preserves the integrity of the reading frame. This variant is not present in population databases (gnomAD no frequency). This variant has not been reported in the literature in individuals affected with KMT2D-related conditions. In summary, the available evidence is currently insufficient to determine the role of this variant in disease. Therefore, it has been classified as a Variant of Uncertain Significance.

NM_003482.4(KMT2D):c.10803_10817dup (p.Gln3612_His3613insGlnGlnGlnGlnGln)

Gene: KMT2D (lysine methyltransferase 2D; minus strand). Cytogenetic location: 12q13.12.
Variant type: Duplication.
Coding change: c.10803_10817dup on transcript NM_003482.4 (MANE Select); coding-DNA positions 10803 to 10817, 15 bases duplicated (ACAACAGCAGCAGCA).
Protein change: p.Gln3612_His3613insGlnGlnGlnGlnGln.
Molecular consequence: inframe insertion.
Genome position (GRCh38, 1-based): chr12:49,033,888-49,033,902, TGCTGCTGCTGTTGT duplicated on the plus strand (ACAACAGCAGCAGCA on the coding strand, the reverse complement: KMT2D is on the minus strand); duplicating any 15 consecutive bases within chr12:49,033,888-49,033,912 gives the same sequence; the c. name uses the placement nearest the transcript's 3' end. VCF-style (leftmost placement, unchanged base first): chr12-49033887-C-CTGCTGCTGCTGTTGT. GRCh37 (hg19) VCF-style: chr12-49427670-C-CTGCTGCTGCTGTTGT.
Identifiers: ClinVar variation 2017994 (VCV002017994.4), dbSNP rs2498366623, ClinGen allele CA2580086340.